The following is an entry in ClinVar:

NM_001761.3(CCNF):c.262C>G (p.Leu88Val)

Gene: CCNF (cyclin F; plus strand). Cytogenetic location: 16p13.3.
Variant type: single nucleotide variant.
Coding change: c.262C>G on transcript NM_001761.3 (MANE Select); coding-DNA position 262, C replaced by G.
Protein change: p.Leu88Val; replaces leucine 88 with valine.
Molecular consequence: missense variant. On other transcripts: intron variant (1).
Genome position (GRCh38, 1-based): chr16:2,433,051, C>G. VCF-style: chr16-2433051-C-G. GRCh37 (hg19) VCF-style: chr16-2483052-C-G.
Other names: p.Leu88Val; c.-647+1767C>G (NM_001323538.2); short protein forms L88V.
Identifiers: ClinVar variation 2683343 (VCV002683343.2), dbSNP rs756107653, ClinGen allele CA7842000.

ClinVar aggregate classification (germline): Conflicting classifications of pathogenicity. Review status: criteria provided, conflicting classifications (1 of 4 stars). 2 submissions from 2 submitters: Uncertain significance (1); Likely benign (1). Last evaluated 2026-09-01.

Allele frequency attached by ClinVar (database versions not stated): TOPMed below 0.00001; ExAC 0.00002.
gnomAD v4.1: 44 of 1,608,672 alleles (0.0027%); highest among the groups gnomAD compares: Non-Finnish European, 0.0037%; no homozygotes.

Submissions (2):

CeGaT Center for Human Genetics Tuebingen
Classification: Likely benign. Last evaluated: 2026-09-01. Review status: criteria provided, single submitter. Criteria: CeGaT Center For Human Genetics Tuebingen Variant Classification Criteria Version 2. Collection method: clinical testing. Allele origin: germline. Affected: yes. Observed: 1 variant allele.
Comment: CCNF: BP4

Mayo Clinic Laboratories, Mayo Clinic
Classification: Uncertain significance. Last evaluated: 2023-03-10. Review status: criteria provided, single submitter. Criteria: ACMG Guidelines, 2015. Collection method: clinical testing. Allele origin: germline. Observed: 1 variant allele.
Comment: BP4